The following is an entry in ClinVar:

NM_001148.6(ANK2):c.6032T>C (p.Phe2011Ser)

Genes: ANK2 (ankyrin 2; plus strand), LOC126807136 (MED14-independent group 3 enhancer GRCh37_chr4:114274931-114276130; plus strand). Cytogenetic location: 4q26.
Variant type: single nucleotide variant.
Coding change: c.6032T>C on transcript NM_001148.6 (MANE Select); coding-DNA position 6032, T replaced by C.
Protein change: p.Phe2011Ser; replaces phenylalanine 2011 with serine.
Molecular consequence: missense variant. On other transcripts: intron variant (68).
Genome position (GRCh38, 1-based): chr4:113,354,650, T>C. VCF-style: chr4-113354650-T-C. GRCh37 (hg19) VCF-style: chr4-114275806-T-C.
Other names: c.5798T>C, p.Phe1933Ser (NM_001386142.1); c.2432T>C, p.Phe811Ser (NM_001386166.1); c.6173T>C, p.Phe2058Ser (NM_001386174.1); c.6149T>C, p.Phe2050Ser (NM_001386175.1); c.4411+4401T>C (NM_001386186.2, NM_001386148.2); c.4213+4401T>C (NM_001354269.3); c.4291+4401T>C (NM_001386187.2); c.4252+4401T>C (NM_001386147.1); and 35 more; short protein forms F2050S, F1933S, F2058S, F2011S, F811S.
Identifiers: ClinVar variation 4096861 (VCV004096861.1).

ClinVar aggregate classification (germline): Uncertain significance (1 of 4 stars; one submission).

Conditions:
Cardiovascular phenotype. Identifiers: MedGen CN230736.

Submission:

Ambry Genetics
Classification: Uncertain significance for Cardiovascular phenotype. Last evaluated: 2025-08-28. Review status: criteria provided, single submitter. Criteria: Ambry Variant Classification Scheme 2023. Collection method: clinical testing. Allele origin: germline.
Comment: The p.F2011S variant (also known as c.6032T>C), located in coding exon 38 of the ANK2 gene, results from a T to C substitution at nucleotide position 6032. The phenylalanine at codon 2011 is replaced by serine, an amino acid with highly dissimilar properties. This amino acid position is conserved. In addition, this alteration is predicted to be deleterious by in silico analysis. Based on the available evidence, the clinical significance of this variant remains unclear.